The following is an entry in ClinVar:

ClinVar aggregate classification (germline): Uncertain significance. Review status: criteria provided, single submitter (1 of 4 stars). 2 submissions from 1 submitter: Uncertain significance (1). 1 of the submissions does not count toward it. Last evaluated 2019-09-27.

Conditions:
Developmental and epileptic encephalopathy. Identifiers: MedGen C5779964, MONDO:0100620.

Submissions (2):

Labcorp Genetics (formerly Invitae), Labcorp
Classification: Uncertain significance. Last evaluated: 2019-09-27. Review status: criteria provided, single submitter. Criteria: Invitae Variant Classification Sherloc (09022015). Collection method: clinical testing. Allele origin: germline.
Comment: This variant results in a copy number gain of the genomic region encompassing exons 1-21 of the SCN3A gene, which includes the initiator codon. The 5' end of this event is unknown as it extends beyond the assayed region for this gene and therefore may encompass additional genes. The 3' boundary is likely confined to intron 21 of the SCN3A gene. As the precise location of this event is unknown, it may be in tandem or it may be located elsewhere in the genome. Isolated whole-gene copy number gains of SCN3A have not been reported in the literature. However, larger copy number events that include this gene have been reported (PMID: 23016767,21416599). In summary, the available evidence is currently insufficient to determine the role of this variant in disease. Therefore, it has been classified as a Variant of Uncertain Significance.

Labcorp Genetics (formerly Invitae), Labcorp
Classification: Uncertain significance for Early infantile epileptic encephalopathy with suppression bursts. Last evaluated: 2019-10-03. Review status: flagged submission. Criteria: Invitae Variant Classification Sherloc (09022015). Collection method: clinical testing. Allele origin: germline. Not counted in ClinVar's aggregate classification.
Comment: This variant results in a copy number gain of the genomic region encompassing the full coding sequence of the SCN1A gene. The boundaries of this event are unknown as they extend beyond the assayed region for this gene and therefore may encompass additional genes. As the precise location of this event is unknown, it may be in tandem or it may be located elsewhere in the genome. Isolated whole-gene duplications of the SCN1A gene have not been reported in the literature. However, larger copy number events that include this gene have been reported (PMID: 23016767, 26068938, 21416599, 23184456, 21692795). In summary, the available evidence is currently insufficient to determine the role of this variant in disease. Therefore, it has been classified as a Variant of Uncertain Significance.
ClinVar note: Reason: This record appears to be redundant with a more recent record from the same submitter.
ClinVar note: Notes: SCV001197109 appears to be redundant with SCV001540368.

Literature cited by the submitters: PubMed 23016767; PubMed 21416599; PubMed 23184456; PubMed 21692795; PubMed 26068938.

NC_000002.12:g.(?_165112865)_(166311776_?)dup

Genes: CSRNP3 (cysteine and serine rich nuclear protein 3; plus strand), GALNT3 (polypeptide N-acetylgalactosaminyltransferase 3; minus strand), SCN1A (sodium voltage-gated channel alpha subunit 1; minus strand), SCN2A (sodium voltage-gated channel alpha subunit 2; plus strand), SCN3A (sodium voltage-gated channel alpha subunit 3; minus strand) and 2 more. Cytogenetic location: 2q24.3.
Variant type: Duplication.
Identifiers: ClinVar variation 833358 (VCV000833358.3).